The following is an entry in ClinVar:

NM_001145475.3(FAM186A):c.4723C>T (p.Leu1575=)

Gene: FAM186A (family with sequence similarity 186 member A; minus strand). Cytogenetic location: 12q13.12.
Variant type: single nucleotide variant.
Coding change: c.4723C>T on transcript NM_001145475.3 (MANE Select); coding-DNA position 4723, C replaced by T.
Protein change: p.Leu1575=; no amino-acid change (leucine 1575 retained).
Molecular consequence: synonymous variant.
Genome position (GRCh38, 1-based): chr12:50,352,109, G>A on the plus strand (C>T on the coding strand, the complement: FAM186A is on the minus strand). VCF-style: chr12-50352109-G-A. GRCh37 (hg19) VCF-style: chr12-50745892-G-A.
Identifiers: ClinVar variation 2672505 (VCV002672505.23), dbSNP rs1324946139, ClinGen allele CA479769241.

ClinVar aggregate classification (germline): Likely benign (1 of 4 stars; one submission).

Allele frequency attached by ClinVar (database versions not stated): gnomAD exomes below 0.00001; gnomAD 0.00001.
gnomAD v4.1: 8 of 1,532,836 alleles (0.00052%); highest among the groups gnomAD compares: Admixed American, 0.002%; no homozygotes.

Submission:

CeGaT Center for Human Genetics Tuebingen
Classification: Likely benign. Last evaluated: 2023-11-01. Review status: criteria provided, single submitter. Criteria: CeGaT Center For Human Genetics Tuebingen Variant Classification Criteria Version 2. Collection method: clinical testing. Allele origin: germline. Affected: yes. Observed: 1 variant allele.
Comment: FAM186A: BP4, BP7